The following is an entry in ClinVar:

NM_006084.5(IRF9):c.1100C>T (p.Thr367Ile)

Gene: IRF9 (interferon regulatory factor 9; plus strand). Cytogenetic location: 14q12.
Variant type: single nucleotide variant.
Coding change: c.1100C>T on transcript NM_006084.5 (MANE Select); coding-DNA position 1100, C replaced by T.
Protein change: p.Thr367Ile; replaces threonine 367 with isoleucine.
Molecular consequence: missense variant. On other transcripts: synonymous variant (2).
Genome position (GRCh38, 1-based): chr14:24,165,955, C>T. VCF-style: chr14-24165955-C-T. GRCh37 (hg19) VCF-style: chr14-24635164-C-T.
Other names: c.1254C>T, p.His418= (NM_001385400.1); c.1127C>T, p.Thr376Ile (NM_001385401.1); c.837C>T, p.His279= (NM_001385402.1); short protein forms T367I, T376I.
Identifiers: ClinVar variation 2200516 (VCV002200516.4), dbSNP rs2502047550, ClinGen allele CA389215790.

ClinVar aggregate classification (germline): Uncertain significance (1 of 4 stars; one submission).

Allele frequency attached by ClinVar (database versions not stated): gnomAD exomes below 0.00001.
gnomAD v4.1: 3 of 1,613,358 alleles (0.00019%); highest among the groups gnomAD compares: Non-Finnish European, 0.00025%; no homozygotes.

Submission:

Labcorp Genetics (formerly Invitae), Labcorp
Classification: Uncertain significance. Last evaluated: 2025-07-14. Review status: criteria provided, single submitter. Criteria: Invitae Variant Classification Sherloc (09022015). Collection method: clinical testing. Allele origin: germline.
Comment: This sequence change replaces threonine, which is neutral and polar, with isoleucine, which is neutral and non-polar, at codon 367 of the IRF9 protein (p.Thr367Ile). This variant is not present in population databases (gnomAD no frequency). This variant has not been reported in the literature in individuals affected with IRF9-related conditions. ClinVar contains an entry for this variant (Variation ID: 2200516). An algorithm developed to predict the effect of missense changes on protein structure and function (PolyPhen-2) suggests that this variant is likely to be tolerated. In summary, the available evidence is currently insufficient to determine the role of this variant in disease. Therefore, it has been classified as a Variant of Uncertain Significance.